The following is an entry in ClinVar:

NM_001349206.2(LPIN1):c.2055_2056del (p.Phe685fs)

Gene: LPIN1 (lipin 1; plus strand). Cytogenetic location: 2p25.1.
Variant type: Deletion.
Coding change: c.2055_2056del on transcript NM_001349206.2 (MANE Select); coding-DNA positions 2055 to 2056, 2 bases deleted (CA; older notation c.2055_2056delCA).
Protein change: p.Phe685fs; shifts the reading frame from phenylalanine 685.
Molecular consequence: frameshift variant. On other transcripts: non-coding transcript variant (1).
Genome position (GRCh38, 1-based): chr2:11,804,464-11,804,465, CA deleted. VCF-style (leftmost placement, unchanged base first): chr2-11804463-TCA-T. GRCh37 (hg19) VCF-style: chr2-11944589-TCA-T.
Other names: c.1965_1966del, p.Phe655fs (NM_001261427.3); c.2202_2203del, p.Phe734fs (NM_001261428.3); c.1947_1948del, p.Phe649fs (NM_001349199.2, NM_145693.4); c.2025_2026del, p.Phe675fs (NM_001349200.2, NM_001349201.2); c.2052_2053del, p.Phe684fs (NM_001349202.2, NM_001349203.2); c.2055_2056del, p.Phe685fs (NM_001349204.2, NM_001349205.2); c.2145_2146del, p.Phe715fs (NM_001349207.2); c.2094_2095del, p.Phe698fs (NM_001349208.2); short protein forms F655fs, F685fs, F734fs, F675fs, F649fs, F698fs, F715fs, F684fs.
Identifiers: ClinVar variation 2112231 (VCV002112231.4), dbSNP rs2546211584, ClinGen allele CA2580063603.

ClinVar aggregate classification (germline): Pathogenic (1 of 4 stars; one submission).

Submission:

Labcorp Genetics (formerly Invitae), Labcorp
Classification: Pathogenic. Last evaluated: 2022-03-23. Review status: criteria provided, single submitter. Criteria: Invitae Variant Classification Sherloc (09022015). Collection method: clinical testing. Allele origin: germline.
Comment: For these reasons, this variant has been classified as Pathogenic. This variant has not been reported in the literature in individuals affected with LPIN1-related conditions. This variant is not present in population databases (gnomAD no frequency). This sequence change creates a premature translational stop signal (p.Phe649Leufs*13) in the LPIN1 gene. It is expected to result in an absent or disrupted protein product. Loss-of-function variants in LPIN1 are known to be pathogenic (PMID: 18817903, 20583302, 22481384, 26111941).

Literature cited by the submitters: PubMed 18817903; PubMed 20583302; PubMed 22481384; PubMed 26111941.